The following is an entry in ClinVar:

NM_020458.4(TTC7A):c.743A>G (p.Tyr248Cys)

Gene: TTC7A (tetratricopeptide repeat domain 7A; plus strand). Cytogenetic location: 2p21.
Variant type: single nucleotide variant.
Coding change: c.743A>G on transcript NM_020458.4 (MANE Select); coding-DNA position 743, A replaced by G.
Protein change: p.Tyr248Cys; replaces tyrosine 248 with cysteine.
Molecular consequence: missense variant. On other transcripts: 5 prime UTR variant (1).
Genome position (GRCh38, 1-based): chr2:46,978,886, A>G. VCF-style: chr2-46978886-A-G. GRCh37 (hg19) VCF-style: chr2-47206025-A-G.
Other names: c.743A>G, p.Tyr248Cys (NM_001288951.2); c.641A>G, p.Tyr214Cys (NM_001288953.2); c.-162A>G (NM_001288955.2); short protein forms Y214C, Y248C.
Identifiers: ClinVar variation 2146549 (VCV002146549.2), dbSNP rs147976856, ClinGen allele CA1647329.

ClinVar aggregate classification (germline): Uncertain significance (1 of 4 stars; one submission).

Conditions:
Multiple gastrointestinal atresias. Also called: FAMILIAL INTESTINAL POLYATRESIA SYNDROME; Multiple intestinal atresia. Identifiers: Orphanet 2300, MedGen C0220744, MONDO:0009465.

Allele frequency attached by ClinVar (database versions not stated): TOPMed 0.00002; ESP Exome Variant Server 0.00008; gnomAD 0.00001; gnomAD exomes 0.00001; ExAC 0.00002.

Submission:

Labcorp Genetics (formerly Invitae), Labcorp
Classification: Uncertain significance for Multiple gastrointestinal atresias. Last evaluated: 2023-08-10. Review status: criteria provided, single submitter. Criteria: Invitae Variant Classification Sherloc (09022015). Collection method: clinical testing. Allele origin: germline.
Comment: In summary, the available evidence is currently insufficient to determine the role of this variant in disease. Therefore, it has been classified as a Variant of Uncertain Significance. Advanced modeling of protein sequence and biophysical properties (such as structural, functional, and spatial information, amino acid conservation, physicochemical variation, residue mobility, and thermodynamic stability) performed at Invitae indicates that this missense variant is expected to disrupt TTC7A protein function. ClinVar contains an entry for this variant (Variation ID: 2146549). This variant has not been reported in the literature in individuals affected with TTC7A-related conditions. This variant is present in population databases (rs147976856, gnomAD 0.003%). This sequence change replaces tyrosine, which is neutral and polar, with cysteine, which is neutral and slightly polar, at codon 248 of the TTC7A protein (p.Tyr248Cys).